The following is an entry in ClinVar:

NM_001369.3(DNAH5):c.5807_5808del (p.Thr1936fs)

Gene: DNAH5 (dynein axonemal heavy chain 5; minus strand). Cytogenetic location: 5p15.2.
Variant type: Microsatellite.
Coding change: c.5807_5808del on transcript NM_001369.3 (MANE Select); coding-DNA positions 5807 to 5808, 2 bases deleted (CA; older notation c.5807_5808delCA).
Protein change: p.Thr1936fs; shifts the reading frame from threonine 1936.
Molecular consequence: frameshift variant.
Genome position (GRCh38, 1-based): chr5:13,839,430-13,839,431, TG deleted on the plus strand (CA on the coding strand, the reverse complement: DNAH5 is on the minus strand); deleting any 2 consecutive bases within chr5:13,839,430-13,839,433 gives the same sequence; the c. name uses the placement nearest the transcript's 3' end. VCF-style (leftmost placement, unchanged base first): chr5-13839429-CTG-C. GRCh37 (hg19) VCF-style: chr5-13839538-CTG-C.
Other names: short protein forms T1936fs.
Identifiers: ClinVar variation 5011282 (VCV005011282.1).

ClinVar aggregate classification (germline): Pathogenic (1 of 4 stars; one submission).

Conditions:
Primary ciliary dyskinesia 3. Identifiers: Orphanet 244, MedGen C1837618, MONDO:0012085, OMIM 608644.

Submission:

Myriad Genetics, Inc.
Classification: Pathogenic for Primary ciliary dyskinesia 3. Last evaluated: 2023-08-09. Review status: criteria provided, single submitter. Criteria: Myriad Autosomal Dominant, Autosomal Recessive and X-Linked Classification Criteria (2023). Collection method: clinical testing. Allele origin: unknown.
Comment: NM_001369.2(DNAH5):c.5807_5808delCA(T1936Rfs*9) is expected to be pathogenic in the context of primary ciliary dyskinesia, DNAH5-related. This variant is predicted to lead to an abnormal or absent protein product due to the creation of a premature termination codon in DNAH5, a gene where loss-of-function variants are known to be pathogenic. Please note: this variant was assessed in the context of healthy population screening.